The following is an entry in ClinVar:

NM_007315.4(STAT1):c.1874-8C>T

Gene: STAT1 (signal transducer and activator of transcription 1; minus strand). Cytogenetic location: 2q32.2.
Variant type: single nucleotide variant.
Coding change: c.1874-8C>T on transcript NM_007315.4 (MANE Select); 8 bases into the intron before coding-DNA position 1874, C replaced by T.
Molecular consequence: intron variant.
Genome position (GRCh38, 1-based): chr2:190,977,033, G>A on the plus strand (C>T on the coding strand, the complement: STAT1 is on the minus strand). VCF-style: chr2-190977033-G-A. GRCh37 (hg19) VCF-style: chr2-191841759-G-A.
Other names: p.?; c.1784-8C>T (NM_001384890.1); c.1775-8C>T (NM_001384883.1); c.1715-8C>T (NM_001384885.1); c.1781-8C>T (NM_001384887.1); c.1814-8C>T (NM_001384880.1); c.1844-8C>T (NM_001384888.1); c.1868-8C>T (NM_001384882.1); and 3 more.
Identifiers: ClinVar variation 333264 (VCV000333264.21), dbSNP rs2066804, ClinGen allele CA2029783.

ClinVar aggregate classification (germline): Benign/Likely benign. Review status: criteria provided, multiple submitters, no conflicts (2 of 4 stars). 8 submissions from 8 submitters: Benign (5); Likely benign (1). 2 of the submissions do not count toward it. Last evaluated 2026-02-04.

Conditions:
Mendelian susceptibility to mycobacterial diseases due to partial STAT1 deficiency. Also called: IMMUNODEFICIENCY 31A, MYCOBACTERIOSIS, AUTOSOMAL DOMINANT; STAT1 DEFICIENCY, AUTOSOMAL DOMINANT; Immunodeficiency 31a. Identifiers: Orphanet 319595, MedGen C4013950, MONDO:0013956, OMIM 614892.
Immunodeficiency 31B. Also called: IMMUNODEFICIENCY 31B, MYCOBACTERIAL AND VIRAL INFECTIONS, AUTOSOMAL RECESSIVE; STAT1 DEFICIENCY, AUTOSOMAL RECESSIVE. Identifiers: Orphanet 391311, MedGen C3151088, MONDO:0013427, OMIM 613796.
Autoimmune enteropathy and endocrinopathy - susceptibility to chronic infections syndrome. Also called: Immunodeficiency 31C; Immunodeficiency 31C, autosomal dominant. Identifiers: Orphanet 391487, MedGen C3279990, MONDO:0013599, OMIM 614162.

Allele frequency attached by ClinVar (database versions not stated): TOPMed 0.21278; ESP Exome Variant Server 0.21736; gnomAD 0.22007 and 0.22209; 1000 Genomes Project 30x 0.22033; ExAC 0.22600; gnomAD exomes 0.22645; 1000 Genomes Project 0.22664.
gnomAD v4.1: 397,896 of 1,613,014 alleles (25%); highest among the groups gnomAD compares: East Asian, 48%; 51,865 homozygotes.

Submissions (8):

Labcorp Genetics (formerly Invitae), Labcorp
Classification: Benign for Mendelian susceptibility to mycobacterial diseases due to partial STAT1 deficiency; Immunodeficiency 31B; Autoimmune enteropathy and endocrinopathy - susceptibility to chronic infections syndrome. Last evaluated: 2026-02-04. Review status: criteria provided, single submitter. Criteria: Invitae Variant Classification Sherloc (09022015). Collection method: clinical testing. Allele origin: germline.

Blueprint Genetics
Classification: Likely benign. Last evaluated: 2024-11-26. Review status: criteria provided, single submitter. Criteria: ACMG Guidelines, 2015. Collection method: clinical testing. Allele origin: germline.

Unidad de Genómica Garrahan, Hospital de Pediatría Garrahan
Classification: Benign. Last evaluated: 2023-11-12. Review status: criteria provided, single submitter. Criteria: ACMG Guidelines, 2015. Collection method: clinical testing. Allele origin: germline. Affected: no. Observed: 21 variant alleles.
Comment: This variant is classified as Benign based on local population frequency. This variant was detected in 22% of patients studied by a panel of primary immunodeficiencies. Number of patients: 21. Only high quality variants are reported.

Mayo Clinic Laboratories, Mayo Clinic
Classification: Benign. Last evaluated: 2019-03-26. Review status: criteria provided, single submitter. Criteria: ACMG Guidelines, 2015. Collection method: clinical testing. Allele origin: germline. Observed: 373 variant alleles.

Illumina Laboratory Services, Illumina
Classification: Benign for Mendelian susceptibility to mycobacterial diseases due to partial STAT1 deficiency. Last evaluated: 2018-01-13. Review status: criteria provided, single submitter. Criteria: ICSL Variant Classification Criteria 13 December 2019. Collection method: clinical testing. Allele origin: germline.
Comment: This variant was observed in the ICSL laboratory as part of a predisposition screen in an ostensibly healthy population. It had not been previously curated by ICSL or reported in the Human Gene Mutation Database (HGMD: prior to June 1st, 2018), and was therefore a candidate for classification through an automated scoring system. Utilizing variant allele frequency, disease prevalence and penetrance estimates, and inheritance mode, an automated score was calculated to assess if this variant is too frequent to cause the disease. Based on the score and internal cut-off values, a variant classified as benign is not then subjected to further curation. The score for this variant resulted in a classification of benign for this disease.

Breakthrough Genomics
Classification: Benign. Review status: criteria provided, single submitter. Criteria: ACMG Guidelines, 2015. Collection method: not provided. Allele origin: germline. Inheritance: Autosomal recessive inheritance. Affected: yes.

Genome Diagnostics Laboratory, University Medical Center Utrecht
Classification: Benign. Review status: no assertion criteria provided. Collection method: clinical testing. Allele origin: germline. Affected: yes. Study: VKGL Data-share Consensus. Not counted in ClinVar's aggregate classification.

Joint Genome Diagnostic Labs from Nijmegen and Maastricht, Radboudumc and MUMC+
Classification: Benign. Review status: no assertion criteria provided. Collection method: clinical testing. Allele origin: germline. Affected: yes. Study: VKGL Data-share Consensus. Not counted in ClinVar's aggregate classification.